The following is an entry in ClinVar:

NM_007294.4(BRCA1):c.319T>A (p.Phe107Ile)

Gene: BRCA1 (BRCA1 DNA repair associated; minus strand). Cytogenetic location: 17q21.31.
Variant type: single nucleotide variant.
Coding change: c.319T>A on transcript NM_007294.4 (MANE Select); coding-DNA position 319, T replaced by A.
Protein change: p.Phe107Ile; replaces phenylalanine 107 with isoleucine.
Molecular consequence: missense variant. On other transcripts: non-coding transcript variant (1).
Genome position (GRCh38, 1-based): chr17:43,104,244, A>T on the plus strand (T>A on the coding strand, the complement: BRCA1 is on the minus strand). VCF-style: chr17-43104244-A-T. GRCh37 (hg19) VCF-style: chr17-41256261-A-T.
Other names: c.109T>A, p.Phe37Ile (NM_001408484.1, NM_001408489.1, NM_001408490.1 and 58 more transcripts); c.319T>A, p.Phe107Ile (NM_001408400.1, NM_001408407.1, NM_001408402.1 and 165 more transcripts); c.178T>A, p.Phe60Ile (NM_001407725.1, NM_001407726.1, NM_001407727.1 and 99 more transcripts); c.310T>A, p.Phe104Ile (NM_001408408.1, NM_001407646.1, NM_001407647.1); c.241T>A, p.Phe81Ile (NM_001408409.1, NM_001407653.1, NM_001407654.1 and 21 more transcripts); c.-63T>A (NM_001408510.1, NM_001408512.1, NM_001407959.1 and 4 more transcripts); c.187T>A, p.Phe63Ile (NM_001408451.1); short protein forms F107I, F60I, F63I, F37I, F81I, F104I.
Identifiers: ClinVar variation 240788 (VCV000240788.10), dbSNP rs878854944, ClinGen allele CA10583595.
Genomic context (GRCh38, chr17:43,104,244, plus strand): 5'-TTTGGATGATAGAAACTTCATCTTTTAGATGTTCAGGAGAGTTATTTTCCTTTTTTGCAA[A>T]ATTATAGCTGTTTGCATCTGTAAAATACAAGGGAAAACATTATGTTTGCAGTTAGAGAAA-3'
Protein context (NP_009225.1, residues 97-117): TGLEYANSYN[Phe107Ile]AKKENNSPEH

ClinVar aggregate classification (germline): Uncertain significance (1 of 4 stars; one submission).

Conditions:
Hereditary breast ovarian cancer syndrome. Also called: Hereditary breast and ovarian cancer syndrome; Hereditary breast and ovarian cancer; Hereditary breast and ovarian cancer syndrome (HBOC); Hereditary breast and/or ovarian cancer syndrome; Breast and ovarian cancer; BRCA1- and BRCA2-Associated Hereditary Breast and Ovarian Cancer. Identifiers: Orphanet 145, MedGen C0677776, MeSH D061325, MONDO:0003582. Disease mechanism: loss of function.

Allele frequency attached by ClinVar (database versions not stated): gnomAD exomes below 0.00001.
gnomAD v4.1: 1 of 1,611,038 alleles (0.000062%); highest among the groups gnomAD compares: Non-Finnish European, 0.000085%; no homozygotes.

Submission:

Labcorp Genetics (formerly Invitae), Labcorp
Classification: Uncertain significance for Hereditary breast ovarian cancer syndrome. Last evaluated: 2016-08-09. Review status: criteria provided, single submitter. Criteria: Invitae Variant Classification Sherloc (09022015). Collection method: clinical testing. Allele origin: germline.
Comment: This variant is not present in population databases (ExAC no frequency) and has not been reported in the literature in individuals with a BRCA1-related disease. ClinVar contains an entry for this variant (Variation ID: 240788). In summary, this is a rare missense change with uncertain impact on protein function. It has been classified as a Variant of Uncertain Significance. Algorithms developed to predict the effect of missense changes on protein structure and function do not agree on the potential impact of this missense change (SIFT: "Tolerated"; PolyPhen-2: "Probably Damaging"; Align-GVGD: "Class C0"). This sequence change replaces phenylalanine with isoleucine at codon 107 of the BRCA1 protein (p.Phe107Ile). The phenylalanine residue is moderately conserved and there is a small physicochemical difference between phenylalanine and isoleucine.